The following is an entry in ClinVar:

ClinVar aggregate classification (germline): Likely benign (1 of 4 stars; one submission).

Allele frequency attached by ClinVar (database versions not stated): 1000 Genomes Project 0.00359; 1000 Genomes Project 30x 0.00390.
gnomAD v4.1: 1,036 of 152,130 alleles (0.68%); highest among the groups gnomAD compares: Non-Finnish European, 0.92%; 5 homozygotes.

Submission:

CeGaT Center for Human Genetics Tuebingen
Classification: Likely benign. Last evaluated: 2026-08-01. Review status: criteria provided, single submitter. Criteria: CeGaT Center For Human Genetics Tuebingen Variant Classification Criteria Version 2. Collection method: clinical testing. Allele origin: germline. Affected: yes. Observed: 10 variant alleles.
Comment: CFH: BS2

NM_000186.4(CFH):c.3310+970C>G

Gene: CFH (complement factor H; plus strand). Cytogenetic location: 1q31.3.
Variant type: single nucleotide variant.
Coding change: c.3310+970C>G on transcript NM_000186.4 (MANE Select); 970 bases into the intron after coding-DNA position 3310, C replaced by G.
Molecular consequence: intron variant.
Genome position (GRCh38, 1-based): chr1:196,744,598, C>G. VCF-style: chr1-196744598-C-G. GRCh37 (hg19) VCF-style: chr1-196713728-C-G.
Identifiers: ClinVar variation 1879106 (VCV001879106.29), dbSNP rs115325629, ClinGen allele CA35814392.